The following is an entry in ClinVar:

NM_000435.3(NOTCH3):c.512_605delinsA (p.Gly171_Ala202delinsGlu)

Gene: NOTCH3 (notch receptor 3; minus strand). Cytogenetic location: 19p13.12.
Variant type: Indel.
Coding change: c.512_605delinsA on transcript NM_000435.3 (MANE Select); coding-DNA positions 512 to 605, the reference bases replaced by A.
Protein change: p.Gly171_Ala202delinsGlu.
Molecular consequence: inframe indel.
Genome position (GRCh38, 1-based): chr19:15,192,034-15,192,127, 94 bases replaced. GRCh37 (hg19): chr19:15,302,845-15,302,938.
Identifiers: ClinVar variation 994560 (VCV000994560.1), dbSNP rs2046931882, ClinGen allele CA1139666341.

ClinVar aggregate classification (germline): Likely pathogenic (1 of 4 stars; one submission).

Submission:

Athena Diagnostics
Classification: Likely pathogenic. Last evaluated: 2019-10-30. Review status: criteria provided, single submitter. Criteria: Athena Diagnostics Criteria. Collection method: clinical testing. Allele origin: unknown.
Comment: The variant disrupts a cysteine residue in an EGF-like repeat domain, which is important for the structure of this protein. Therefore it is expected to severely affect the function of the protein. Not found in the total gnomAD dataset, and the data is high quality.